The following is an entry in ClinVar:

ClinVar aggregate classification (germline): Uncertain significance. Review status: criteria provided, multiple submitters, no conflicts (2 of 4 stars). 2 submissions from 2 submitters: Uncertain significance (2). Last evaluated 2025-11-19.

Conditions:
Inborn genetic diseases. Identifiers: MedGen C0950123, MeSH D030342.

gnomAD v4.1: 52 of 1,610,850 alleles (0.0032%); highest among the groups gnomAD compares: Admixed American, 0.02%; no homozygotes.

Submissions (2):

Ambry Genetics
Classification: Uncertain significance for Inborn genetic diseases. Last evaluated: 2025-11-19. Review status: criteria provided, single submitter. Criteria: Ambry Variant Classification Scheme 2023. Collection method: clinical testing. Allele origin: germline.

Labcorp Genetics (formerly Invitae), Labcorp
Classification: Uncertain significance. Last evaluated: 2022-03-02. Review status: criteria provided, single submitter. Criteria: Invitae Variant Classification Sherloc (09022015). Collection method: clinical testing. Allele origin: germline.
Comment: This sequence change replaces valine, which is neutral and non-polar, with isoleucine, which is neutral and non-polar, at codon 365 of the KIF14 protein (p.Val365Ile). This variant is present in population databases (rs144699906, gnomAD 0.03%). This variant has not been reported in the literature in individuals affected with KIF14-related conditions. Algorithms developed to predict the effect of missense changes on protein structure and function output the following: SIFT: "Tolerated"; PolyPhen-2: "Benign"; Align-GVGD: "Class C0". The isoleucine amino acid residue is found in multiple mammalian species, which suggests that this missense change does not adversely affect protein function. In summary, the available evidence is currently insufficient to determine the role of this variant in disease. Therefore, it has been classified as a Variant of Uncertain Significance.

NM_014875.3(KIF14):c.1093G>A (p.Val365Ile)

Gene: KIF14 (kinesin family member 14; minus strand). Cytogenetic location: 1q32.1.
Variant type: single nucleotide variant.
Coding change: c.1093G>A on transcript NM_014875.3 (MANE Select); coding-DNA position 1093, G replaced by A.
Protein change: p.Val365Ile; replaces valine 365 with isoleucine.
Molecular consequence: missense variant. On other transcripts: 5 prime UTR variant (1).
Genome position (GRCh38, 1-based): chr1:200,617,631, C>T on the plus strand (G>A on the coding strand, the complement: KIF14 is on the minus strand). VCF-style: chr1-200617631-C-T. GRCh37 (hg19) VCF-style: chr1-200586759-C-T.
Other names: c.1093G>A (NM_014875.2); c.-293G>A (NM_001305792.1); short protein forms V365I.
Identifiers: ClinVar variation 1412562 (VCV001412562.6), dbSNP rs144699906, ClinGen allele CA1317910.